The following is an entry in ClinVar:

ClinVar aggregate classification (germline): Pathogenic (1 of 4 stars; one submission).

Conditions:
Hereditary breast ovarian cancer syndrome. Also called: Hereditary breast and ovarian cancer; Hereditary breast and ovarian cancer syndrome (HBOC); Breast and ovarian cancer; Hereditary breast and ovarian cancer syndrome; Hereditary breast and/or ovarian cancer syndrome; BRCA1- and BRCA2-Associated Hereditary Breast and Ovarian Cancer. Identifiers: Orphanet 145, MedGen C0677776, MeSH D061325, MONDO:0003582. Disease mechanism: loss of function.

Submission:

Labcorp Genetics (formerly Invitae), Labcorp
Classification: Pathogenic for Hereditary breast ovarian cancer syndrome. Last evaluated: 2021-05-19. Review status: criteria provided, single submitter. Criteria: Invitae Variant Classification Sherloc (09022015). Collection method: clinical testing. Allele origin: germline.
Comment: For these reasons, this variant has been classified as Pathogenic. This variant has not been reported in the literature in individuals with BRCA2-related conditions. This variant is not present in population databases (ExAC no frequency). This sequence change creates a premature translational stop signal (p.Tyr1313*) in the BRCA2 gene. It is expected to result in an absent or disrupted protein product. Loss-of-function variants in BRCA2 are known to be pathogenic (PMID: 20104584).

Literature cited by the submitters: PubMed 20104584.

NM_000059.4(BRCA2):c.3938dup (p.Tyr1313Ter)

Gene: BRCA2 (BRCA2 DNA repair associated; plus strand). Cytogenetic location: 13q13.1.
Variant type: Duplication.
Coding change: c.3938dup on transcript NM_000059.4 (MANE Select); coding-DNA position 3938, one base duplicated (A; older notation c.3938dupA).
Protein change: p.Tyr1313Ter; replaces tyrosine 1313 with a stop codon.
Molecular consequence: nonsense.
Genome position (GRCh38, 1-based): chr13:32,338,293, A duplicated. VCF-style (leftmost placement, unchanged base first): chr13-32338292-T-TA. GRCh37 (hg19) VCF-style: chr13-32912429-T-TA.
Other names: short protein forms Y1313*.
Identifiers: ClinVar variation 1453895 (VCV001453895.6), dbSNP rs2137501403, ClinGen allele CA2573149353.